The following is an entry in ClinVar:

NM_031885.5(BBS2):c.8T>A (p.Leu3Gln)

Gene: BBS2 (Bardet-Biedl syndrome 2; minus strand). Cytogenetic location: 16q13.
Variant type: single nucleotide variant.
Coding change: c.8T>A on transcript NM_031885.5 (MANE Select); coding-DNA position 8, T replaced by A.
Protein change: p.Leu3Gln; replaces leucine 3 with glutamine.
Molecular consequence: missense variant. On other transcripts: non-coding transcript variant (5).
Genome position (GRCh38, 1-based): chr16:56,519,855, A>T on the plus strand (T>A on the coding strand, the complement: BBS2 is on the minus strand). VCF-style: chr16-56519855-A-T. GRCh37 (hg19) VCF-style: chr16-56553767-A-T.
Other names: c.8T>A (NM_031885.3); c.8T>A, p.Leu3Gln (NM_001377456.1); short protein forms L3Q.
Identifiers: ClinVar variation 1364689 (VCV001364689.4), dbSNP rs1964870972, ClinGen allele CA395988343.

ClinVar aggregate classification (germline): Uncertain significance. Review status: criteria provided, single submitter (1 of 4 stars). 2 submissions from 2 submitters: Uncertain significance (1). 1 of the submissions does not count toward it. Last evaluated 2021-10-25.

Conditions:
Bardet-Biedl syndrome (BBS). Identifiers: Orphanet 110, MedGen C0752166, MONDO:0015229.
Bardet-Biedl syndrome 2 (BBS2). Identifiers: Orphanet 110, MedGen C2936863, MONDO:0014432, OMIM 615981.

Submissions (2):

Labcorp Genetics (formerly Invitae), Labcorp
Classification: Uncertain significance for Bardet-Biedl syndrome. Last evaluated: 2021-10-25. Review status: criteria provided, single submitter. Criteria: Invitae Variant Classification Sherloc (09022015). Collection method: clinical testing. Allele origin: germline.
Comment: This sequence change replaces leucine, which is neutral and non-polar, with glutamine, which is neutral and polar, at codon 3 of the BBS2 protein (p.Leu3Gln). This variant is not present in population databases (gnomAD no frequency). This variant has not been reported in the literature in individuals affected with BBS2-related conditions. Algorithms developed to predict the effect of missense changes on protein structure and function output the following: SIFT: "Deleterious"; PolyPhen-2: "Benign"; Align-GVGD: "Class C0". The glutamine amino acid residue is found in multiple mammalian species, which suggests that this missense change does not adversely affect protein function. Algorithms developed to predict the effect of sequence changes on RNA splicing suggest that this variant may create or strengthen a splice site. In summary, the available evidence is currently insufficient to determine the role of this variant in disease. Therefore, it has been classified as a Variant of Uncertain Significance.

Natera, Inc.
Classification: Uncertain significance for Bardet-Biedl syndrome type 2. Last evaluated: 2025-01-12. Review status: no assertion criteria provided. Collection method: clinical testing. Allele origin: germline. Not counted in ClinVar's aggregate classification.